The following is an entry in ClinVar:

ClinVar aggregate classification (germline): Uncertain significance (1 of 4 stars; one submission).

Conditions:
Hypokalemic periodic paralysis, type 1. Also called: Hypokalemic Periodic Paralysis Type 1 (AD); HypoPP. Identifiers: Orphanet 681, MedGen C3714580, MONDO:0042979, OMIM 170400.
Malignant hyperthermia, susceptibility to, 5 (MHS5). Also called: CACNA1S-Related Malignant Hyperthermia Susceptibility. Identifiers: Orphanet 423, MedGen C1866077, MONDO:0011163, OMIM 601887.

Submission:

Labcorp Genetics (formerly Invitae), Labcorp
Classification: Uncertain significance for Hypokalemic periodic paralysis, type 1; Malignant hyperthermia, susceptibility to, 5. Last evaluated: 2020-12-03. Review status: criteria provided, single submitter. Criteria: Invitae Variant Classification Sherloc (09022015). Collection method: clinical testing. Allele origin: germline.
Comment: This variant has not been reported in the literature in individuals with CACNA1S-related conditions. This variant is not present in population databases (ExAC no frequency). This sequence change replaces glutamic acid with valine at codon 697 of the CACNA1S protein (p.Glu697Val). The glutamic acid residue is moderately conserved and there is a moderate physicochemical difference between glutamic acid and valine. In summary, the available evidence is currently insufficient to determine the role of this variant in disease. Therefore, it has been classified as a Variant of Uncertain Significance. Algorithms developed to predict the effect of sequence changes on RNA splicing suggest that this variant may create or strengthen a splice site, but this prediction has not been confirmed by published transcriptional studies. Advanced modeling of protein sequence and biophysical properties (such as structural, functional, and spatial information, amino acid conservation, physicochemical variation, residue mobility, and thermodynamic stability) performed at Invitae indicates that this missense variant is not expected to disrupt CACNA1S protein function.

NM_000069.3(CACNA1S):c.2090A>T (p.Glu697Val)

Gene: CACNA1S (calcium voltage-gated channel subunit alpha1 S; minus strand). Cytogenetic location: 1q32.1.
Variant type: single nucleotide variant.
Coding change: c.2090A>T on transcript NM_000069.3 (MANE Select); coding-DNA position 2090, A replaced by T.
Protein change: p.Glu697Val; replaces glutamic acid 697 with valine.
Molecular consequence: missense variant.
Genome position (GRCh38, 1-based): chr1:201,073,616, T>A on the plus strand (A>T on the coding strand, the complement: CACNA1S is on the minus strand). VCF-style: chr1-201073616-T-A. GRCh37 (hg19) VCF-style: chr1-201042744-T-A.
Other names: short protein forms E697V.
Identifiers: ClinVar variation 1353298 (VCV001353298.8), dbSNP rs2102137126, ClinGen allele CA344113671.